The following is an entry in ClinVar:

NM_001283009.2(RTEL1):c.2357C>T (p.Thr786Ile)

Genes: RTEL1 (regulator of telomere elongation helicase 1; plus strand), RTEL1-TNFRSF6B (RTEL1-TNFRSF6B readthrough (NMD candidate); plus strand). Cytogenetic location: 20q13.33.
Variant type: single nucleotide variant.
Coding change: c.2357C>T on transcript NM_001283009.2 (MANE Select); coding-DNA position 2357, C replaced by T.
Protein change: p.Thr786Ile; replaces threonine 786 with isoleucine.
Molecular consequence: missense variant. On other transcripts: non-coding transcript variant (1).
Genome position (GRCh38, 1-based): chr20:63,690,385, C>T. VCF-style: chr20-63690385-C-T. GRCh37 (hg19) VCF-style: chr20-62321738-C-T.
Other names: c.2357C>T, p.Thr786Ile (NM_016434.4); c.2429C>T, p.Thr810Ile (NM_032957.5); c.1688C>T, p.Thr563Ile (NM_001283010.1); short protein forms T563I, T786I, T810I.
Identifiers: ClinVar variation 4863513 (VCV004863513.1).
Genomic context (GRCh38, chr20:63,690,385, plus strand): 5'-CCAGTGTGCGTGGAGAAGATGCTGTCAGCGAGGCCAAGTCGCCTGGCCCCTTCTTCTCCA[C>T]CAGGAAAGCTAAGAGTCTGGACCTGCATGTCCCCAGCCTGAAGCAGAGGTCCTCAGGTGC-3'
Protein context (NP_001269938.1, residues 776-796): EAKSPGPFFS[Thr786Ile]RKAKSLDLHV

ClinVar aggregate classification (germline): Uncertain significance (1 of 4 stars; one submission).

Conditions:
Inborn genetic diseases. Identifiers: MedGen C0950123, MeSH D030342.

Submission:

Ambry Genetics
Classification: Uncertain significance for Inborn genetic diseases. Last evaluated: 2026-03-15. Review status: criteria provided, single submitter. Criteria: Ambry Variant Classification Scheme 2023. Collection method: clinical testing. Allele origin: germline.
Comment: The p.T786I variant (also known as c.2357C>T), located in coding exon 25 of the RTEL1 gene, results from a C to T substitution at nucleotide position 2357. The threonine at codon 786 is replaced by isoleucine, an amino acid with similar properties. This amino acid position is conserved. In addition, this alteration is predicted to be tolerated by in silico analysis. Based on the available evidence, the clinical significance of this variant remains unclear.